The following is an entry in ClinVar:

ClinVar aggregate classification (germline): Uncertain significance (1 of 4 stars; one submission).

Conditions:
Baller-Gerold syndrome (BGS). Also called: CRANIOSYNOSTOSIS WITH RADIAL DEFECTS. Identifiers: Orphanet 1225, MedGen C0265308, MONDO:0009039, OMIM 218600.

Allele frequency attached by ClinVar (database versions not stated): gnomAD exomes below 0.00001.
gnomAD v4.1: 6 of 1,612,174 alleles (0.00037%); highest among the groups gnomAD compares: Non-Finnish European, 0.00051%; no homozygotes.

Submission:

Labcorp Genetics (formerly Invitae), Labcorp
Classification: Uncertain significance for Baller-Gerold syndrome. Last evaluated: 2024-07-11. Review status: criteria provided, single submitter. Criteria: Invitae Variant Classification Sherloc (09022015). Collection method: clinical testing. Allele origin: germline.
Comment: This sequence change falls in intron 11 of the RECQL4 gene. It does not directly change the encoded amino acid sequence of the RECQL4 protein. It affects a nucleotide within the consensus splice site. This variant is not present in population databases (gnomAD no frequency). This variant has been observed in individual(s) with clinical features of Rothmund-Thomson syndrome (PMID: 12734318). ClinVar contains an entry for this variant (Variation ID: 1002880). Variants that disrupt the consensus splice site are a relatively common cause of aberrant splicing (PMID: 17576681, 9536098). Algorithms developed to predict the effect of sequence changes on RNA splicing suggest that this variant is not likely to affect RNA splicing. In summary, the available evidence is currently insufficient to determine the role of this variant in disease. Therefore, it has been classified as a Variant of Uncertain Significance.

Literature cited by the submitters: PubMed 12734318; PubMed 17576681; PubMed 9536098.

NM_004260.4(RECQL4):c.1878+5G>A

Gene: RECQL4 (RecQ like helicase 4; minus strand). Cytogenetic location: 8q24.3.
Variant type: single nucleotide variant.
Coding change: c.1878+5G>A on transcript NM_004260.4 (MANE Select); 5 bases into the intron after coding-DNA position 1878, G replaced by A.
Molecular consequence: intron variant.
Genome position (GRCh38, 1-based): chr8:144,514,184, C>T on the plus strand (G>A on the coding strand, the complement: RECQL4 is on the minus strand). VCF-style: chr8-144514184-C-T. GRCh37 (hg19) VCF-style: chr8-145739568-C-T.
Identifiers: ClinVar variation 1002880 (VCV001002880.5), dbSNP rs1827811268, ClinGen allele CA1826367383.